The following is an entry in ClinVar:

ClinVar aggregate classification (germline): Likely pathogenic (1 of 4 stars; one submission).

Conditions:
Epidermolysis bullosa simplex 3, localized or generalized intermediate, with BP230 deficiency (EBS3). Also called: Epidermolysis bullosa simplex, autosomal recessive 2; Epidermolysis bullosa simplex due to BP230 deficiency. Identifiers: Orphanet 412181, MedGen C3809470, MONDO:0014180, OMIM 615425.
Hereditary sensory and autonomic neuropathy type 6. Also called: HSAN VI; Neuropathy, hereditary sensory and autonomic, type VI. Identifiers: Orphanet 314381, MedGen C3539003, MONDO:0013839, OMIM 614653.

Submission:

Labcorp Genetics (formerly Invitae), Labcorp
Classification: Likely pathogenic for Epidermolysis bullosa simplex 3, localized or generalized intermediate, with BP230 deficiency; Hereditary sensory and autonomic neuropathy type 6. Last evaluated: 2022-06-10. Review status: criteria provided, single submitter. Criteria: Invitae Variant Classification Sherloc (09022015). Collection method: clinical testing. Allele origin: germline.
Comment: This variant is not present in population databases (gnomAD no frequency). This sequence change affects an acceptor splice site in intron 68 of the DST gene. It is expected to disrupt RNA splicing. Variants that disrupt the donor or acceptor splice site typically lead to a loss of protein function (PMID: 16199547), and loss-of-function variants in DST are known to be pathogenic (PMID: 22522446, 25059916, 30371979). The DST gene has multiple clinically relevant transcripts. This variant occurs in alternate transcript NM_015548.4, and corresponds to NM_001723.5:c.*130045G>T in the primary transcript. This variant has not been reported in the literature in individuals affected with DST-related conditions. In summary, the currently available evidence indicates that the variant is pathogenic, but additional data are needed to prove that conclusively. Therefore, this variant has been classified as Likely Pathogenic.

Literature cited by the submitters: PubMed 16199547; PubMed 22522446; PubMed 25059916; PubMed 30371979.

NM_001374736.1(DST):c.21048-1G>T

Gene: DST (dystonin; minus strand). Cytogenetic location: 6p12.1.
Variant type: single nucleotide variant.
Coding change: c.21048-1G>T on transcript NM_001374736.1 (MANE Select); the canonical splice acceptor site of the intron before coding-DNA position 21048, G replaced by T.
Molecular consequence: splice acceptor variant.
Genome position (GRCh38, 1-based): chr6:56,485,472, C>A on the plus strand (G>T on the coding strand, the complement: DST is on the minus strand). VCF-style: chr6-56485472-C-A. GRCh37 (hg19) VCF-style: chr6-56350270-C-A.
Other names: c.14691-1G>T (NM_001144769.5); c.21048-1G>T (NM_001374722.1); c.21075-1G>T (NM_001374734.1); c.14277-1G>T (NM_001144770.2); c.13830-1G>T (NM_001374730.1); c.14157-1G>T (NM_001386100.1, NM_183380.4); c.20088-1G>T (NM_001374729.1); c.13179-1G>T (NM_015548.5).
Identifiers: ClinVar variation 1067146 (VCV001067146.7), dbSNP rs2152427474, ClinGen allele CA364512815.